The following is an entry in ClinVar:

ClinVar aggregate classification (germline): Conflicting classifications of pathogenicity. Review status: criteria provided, conflicting classifications (1 of 4 stars). 10 submissions from 10 submitters: Uncertain significance (3); Benign (2); Likely benign (1). 4 of the submissions do not count toward it. Last evaluated 2025-12-22.

Conditions:
MSR1-related disorder. Also called: MSR1-related condition.
Hereditary cancer-predisposing syndrome. Also called: Neoplastic Syndromes, Hereditary; Tumor predisposition; Hereditary Cancer Syndrome; Hereditary neoplastic syndrome. Identifiers: Orphanet 140162, MedGen C0027672, MeSH D009386, MONDO:0015356.
Barrett esophagus. Also called: BARRETT METAPLASIA; Barrett's esophagus. Identifiers: Orphanet 99976, MedGen C0004763, MONDO:0013662, OMIM 614266, HP:0100580.
X-linked Alport syndrome (ATS1). Also called: NEPHROPATHY AND DEAFNESS, X-LINKED; COL4A5-Related Nephropathy. Identifiers: Orphanet 63, Orphanet 88917, MedGen C4746986, MONDO:0010520, OMIM 301050.
Prostate cancer. Also called: Malignant tumor of prostate. Identifiers: Orphanet 1331, MedGen C0376358, MONDO:0008315, HP:0012125.

Allele frequency attached by ClinVar (database versions not stated): 1000 Genomes Project 30x 0.00531; 1000 Genomes Project 0.00539; TOPMed 0.00765.
gnomAD v4.1: 15,838 of 1,611,828 alleles (0.98%); highest among the groups gnomAD compares: Admixed American, 1.2%; 150 homozygotes.

Submissions (10):

GeneDx
Classification: Uncertain significance. Last evaluated: 2025-12-22. Review status: criteria provided, single submitter. Criteria: GeneDx Variant Classification Process June 2021. Collection method: clinical testing. Allele origin: germline. Affected: yes.
Comment: Reported in several individuals with a diagnosis of Barrett's esophagus and/or esophageal adenocarcinoma; however, specific phenotypic details and familial segregation information were not provided (PMID: 21791690); Also reported in association with prostate cancer in multiple individuals with and without a family history of prostate cancer,although segregation of R293X with cancer was incomplete in several families (PMID: 12244320, 24082139); A study assessing the frequency of MSR1 variants in individuals with prostate cancer identified R293X in equal frequency among both familial and sporadic prostate cancer cohorts as well as an equal frequency among healthy controls (PMID: 16287155); Nonsense variant predicted to result in protein truncation or nonsense mediated decay in a gene or region of a gene for which loss of function is not a well-established mechanism of disease; Variants in candidate genes are classified as variants of uncertain significance in accordance with ACMG guidelines (PMID: 25741868); This variant is associated with the following publications: (PMID: 12958598, 25525159, 25333069, 12244320, 24082139, 26182300, 14614006, 17768178, 15734964, 16425212, 17627168, 16114055, 27535533, 30262796, 35460704, 31345219, 37632192, 36325338, 16287155, 21791690)

CeGaT Center for Human Genetics Tuebingen
Classification: Benign. Last evaluated: 2025-04-01. Review status: criteria provided, single submitter. Criteria: CeGaT Center For Human Genetics Tuebingen Variant Classification Criteria Version 2. Collection method: clinical testing. Allele origin: germline. Affected: yes. Observed: 8 variant alleles.
Comment: MSR1: BS1, BS2

Labcorp Genetics (formerly Invitae), Labcorp
Classification: Benign. Last evaluated: 2019-12-31. Review status: criteria provided, single submitter. Criteria: Invitae Variant Classification Sherloc (09022015). Collection method: clinical testing. Allele origin: germline.

Revvity Omics, Revvity
Classification: Uncertain significance for Barrett esophagus. Last evaluated: 2019-07-23. Review status: criteria provided, single submitter. Criteria: ACMG Guidelines, 2015. Collection method: clinical testing. Allele origin: germline.

Mendelics
Classification: Uncertain significance for Familial prostate cancer. Last evaluated: 2019-05-28. Review status: criteria provided, single submitter. Criteria: Mendelics Assertion Criteria 2017. Collection method: clinical testing. Allele origin: unknown.

Broad Center for Mendelian Genomics, Broad Institute of MIT and Harvard
Classification: Likely benign for X-linked Alport syndrome. Review status: criteria provided, single submitter. Criteria: ACMG Guidelines, 2015. Collection method: research. Allele origin: germline. Inheritance: Autosomal dominant inheritance. Affected: yes.
Comment: The heterozygous p.Arg293Ter variant in MSR1 has been identified in 8 individuals with prostate cancer and multiple individuals without reported prostate cancer (PMID: 12244320, 21791690, 24082139, 25333069), but has also been identified in >1% of Latino chromosomes and 13 homozygotes by ExAC. In vitro functional studies provide some evidence that the p.Arg293Ter variant may slightly impact protein function (PMID: 21791690). However, these types of assays may not accurately represent biological function. In summary, although additional studies are required to fully establish its clinical significance, this variant meets criteria to be classified as likely benign for autosomal dominant prostate cancer.

PreventionGenetics, part of Exact Sciences
Classification: Likely benign for MSR1-related condition. Last evaluated: 2019-10-29. Review status: no assertion criteria provided. Collection method: clinical testing. Allele origin: germline. Not counted in ClinVar's aggregate classification.
Comment: This variant is classified as likely benign based on ACMG/AMP sequence variant interpretation guidelines (Richards et al. 2015 PMID: 25741868, with internal and published modifications).

OMIM
Classification: Uncertain significance for RECLASSIFIED - VARIANT OF UNKNOWN SIGNIFICANCE. Last evaluated: 2011-07-27. Review status: no assertion criteria provided. Collection method: literature only. Allele origin: germline. Not counted in ClinVar's aggregate classification.

Department of Pathology and Laboratory Medicine, Sinai Health System
Classification: Uncertain significance. Review status: no assertion criteria provided. Collection method: clinical testing. Allele origin: unknown. Affected: yes. Study: The Canadian Open Genetics Repository (COGR). Not counted in ClinVar's aggregate classification.
Comment: The MSR1 p.R293* variant was identified in 45 of 4502 proband chromosomes (frequency: 0.001) from individuals or families with prostate cancer and 10 of 348 proband chromosomes (frequency: 0.029) from individuals with Barrett esophagus and esophageal adenocarcinoma, but was also identified in 26 of 2636 control chromosomes (frequency: 0.0099) from healthy individuals (Orloff_2011_PMID:21791690; Xu_2002_PMID:12244320; Wang_2003_PMID:12958598; Maier_2006_PMID:16287155; Seppala_2003_PMID:14614006). An association study of almost 3,000 prostate cancer cases and 2,800 controls did not identify a significant difference in the frequency of R293* in cases compared to controls (Hope_2005_PMID:15734964). The variant was identified in dbSNP (ID: rs41341748), ClinVar (classified as a VUS by GeneDx and as pathogenic by Vantari Genetics) and Cosmic (FATHMM prediction of neutral; score=0.08). The variant was also identified in control databases in 2324 of 281916 chromosomes (23 homozygous) at a frequency of 0.008244 increasing the likelihood this could be a low frequency benign variant (Genome Aggregation Database Feb 27, 2017). The variant was observed in the following populations: Ashkenazi Jewish in 155 of 10344 chromosomes (freq: 0.01498), Latino in 413 of 35264 chromosomes (freq: 0.01171), Other in 82 of 7174 chromosomes (freq: 0.01143), European (non-Finnish) in 1370 of 128636 chromosomes (freq: 0.01065), European (Finnish) in 231 of 25070 chromosomes (freq: 0.009214), African in 50 of 24926 chromosomes (freq: 0.002006), South Asian in 22 of 30596 chromosomes (freq: 0.000719), and East Asian in 1 of 19906 chromosomes (freq: 0.00005). The c.877C>T variant leads to a premature stop codon at position 293 which is predicted to lead to a truncated or absent protein and loss of function. The role of loss of function variants of the MSR1 gene in disease is currently unclear. Western blots of the MSR1 protein in patients with Barrett esophagus and esophageal adenocarcinoma carrying the R293* variant showed MSR1 protein expression, although at lower level in some patients (Orloff_2011_PMID:21791690). In summary, based on the above information the clinical significance of this variant cannot be determined with certainty at this time. This variant is classified as a variant of uncertain significance.

Vantari Genetics
Classification: Pathogenic for Hereditary cancer-predisposing syndrome. Last evaluated: 2015-12-07. Review status: flagged submission. Criteria: ACMG Guidelines, 2015. Collection method: clinical testing. Allele origin: germline. Not counted in ClinVar's aggregate classification.
ClinVar note: Reason: Outlier claim with insufficient supporting evidence

Literature cited by the submitters: PubMed 12244320 (cited by Broad Center for Mendelian Genomics, Broad Institute of MIT and Harvard and OMIM); PubMed 25333069 (cited by Broad Center for Mendelian Genomics, Broad Institute of MIT and Harvard); PubMed 24082139 (cited by Broad Center for Mendelian Genomics, Broad Institute of MIT and Harvard); PubMed 21791690 (cited by Broad Center for Mendelian Genomics, Broad Institute of MIT and Harvard and OMIM); PubMed 12958598 (cited by OMIM).

NM_138715.3(MSR1):c.877C>T (p.Arg293Ter)

Gene: MSR1 (macrophage scavenger receptor 1; minus strand). Cytogenetic location: 8p22.
Variant type: single nucleotide variant.
Coding change: c.877C>T on transcript NM_138715.3 (MANE Select); coding-DNA position 877, C replaced by T.
Protein change: p.Arg293Ter; replaces arginine 293 with a stop codon.
Molecular consequence: nonsense.
Genome position (GRCh38, 1-based): chr8:16,155,085, G>A on the plus strand (C>T on the coding strand, the complement: MSR1 is on the minus strand). VCF-style: chr8-16155085-G-A. GRCh37 (hg19) VCF-style: chr8-16012594-G-A.
Other names: c.931C>T, p.Arg311Ter (NM_001363744.1); c.877C>T, p.Arg293Ter (NM_002445.4, NM_138716.3); short protein forms R293*, R311*.
Identifiers: ClinVar variation 14357 (VCV000014357.39), dbSNP rs41341748, ClinGen allele CA123891.